The following is an entry in ClinVar:

ClinVar aggregate classification (germline): Uncertain significance (1 of 4 stars; one submission).

Submission:

Labcorp Genetics (formerly Invitae), Labcorp
Classification: Uncertain significance. Last evaluated: 2020-02-18. Review status: criteria provided, single submitter. Criteria: Invitae Variant Classification Sherloc (09022015). Collection method: clinical testing. Allele origin: germline.
Comment: In summary, the available evidence is currently insufficient to determine the role of this variant in disease. Therefore, it has been classified as a Variant of Uncertain Significance. Experimental studies and prediction algorithms are not available or were not evaluated, and the functional significance of this variant is currently unknown. This variant has not been reported in the literature in individuals with FH-related conditions. This variant is not present in population databases (ExAC no frequency). This sequence change disrupts the translational stop signal of the FH mRNA. It is expected to extend the length of the FH protein by 3 additional amino acid residues.

NM_000143.4(FH):c.1532G>C (p.Ter511Ser)

Gene: FH (fumarate hydratase; minus strand). Cytogenetic location: 1q43.
Variant type: single nucleotide variant.
Coding change: c.1532G>C on transcript NM_000143.4 (MANE Select); coding-DNA position 1532, G replaced by C.
Protein change: p.Ter511Ser.
Molecular consequence: stop lost.
Genome position (GRCh38, 1-based): chr1:241,497,829, C>G on the plus strand (G>C on the coding strand, the complement: FH is on the minus strand). VCF-style: chr1-241497829-C-G. GRCh37 (hg19) VCF-style: chr1-241661129-C-G.
Identifiers: ClinVar variation 1057613 (VCV001057613.45), dbSNP rs2147911168, ClinGen allele CA345449892.